The following is an entry in ClinVar:

NM_014014.5(SNRNP200):c.5422A>T (p.Met1808Leu)

Gene: SNRNP200 (small nuclear ribonucleoprotein U5 subunit 200; minus strand). Cytogenetic location: 2q11.2.
Variant type: single nucleotide variant.
Coding change: c.5422A>T on transcript NM_014014.5 (MANE Select); coding-DNA position 5422, A replaced by T.
Protein change: p.Met1808Leu; replaces methionine 1808 with leucine.
Molecular consequence: missense variant.
Genome position (GRCh38, 1-based): chr2:96,278,613, T>A on the plus strand (A>T on the coding strand, the complement: SNRNP200 is on the minus strand). VCF-style: chr2-96278613-T-A. GRCh37 (hg19) VCF-style: chr2-96944351-T-A.
Other names: short protein forms M1808L.
Identifiers: ClinVar variation 2970366 (VCV002970366.3), dbSNP rs753584152, ClinGen allele CA1777978.

ClinVar aggregate classification (germline): Uncertain significance (1 of 4 stars; one submission).

Allele frequency attached by ClinVar (database versions not stated): gnomAD exomes below 0.00001; TOPMed below 0.00001; gnomAD 0.00001; ExAC 0.00002.

Submission:

Labcorp Genetics (formerly Invitae), Labcorp
Classification: Uncertain significance. Last evaluated: 2024-02-10. Review status: criteria provided, single submitter. Criteria: Invitae Variant Classification Sherloc (09022015). Collection method: clinical testing. Allele origin: germline.
Comment: This sequence change replaces methionine, which is neutral and non-polar, with leucine, which is neutral and non-polar, at codon 1808 of the SNRNP200 protein (p.Met1808Leu). This variant is present in population databases (rs753584152, gnomAD 0.002%). This variant has not been reported in the literature in individuals affected with SNRNP200-related conditions. Advanced modeling of protein sequence and biophysical properties (such as structural, functional, and spatial information, amino acid conservation, physicochemical variation, residue mobility, and thermodynamic stability) performed at Invitae indicates that this missense variant is not expected to disrupt SNRNP200 protein function with a negative predictive value of 80%. In summary, the available evidence is currently insufficient to determine the role of this variant in disease. Therefore, it has been classified as a Variant of Uncertain Significance.